The following is an entry in ClinVar:

ClinVar aggregate classification (germline): Likely pathogenic (1 of 4 stars; one submission).

Conditions:
Hereditary cancer-predisposing syndrome. Also called: Hereditary neoplastic syndrome; Neoplastic Syndromes, Hereditary; Tumor predisposition; Hereditary Cancer Syndrome. Identifiers: Orphanet 140162, MedGen C0027672, MeSH D009386, MONDO:0015356.

Submission:

Ambry Genetics
Classification: Likely pathogenic for Hereditary cancer-predisposing syndrome. Last evaluated: 2025-07-01. Review status: criteria provided, single submitter. Criteria: Ambry Variant Classification Scheme 2023. Collection method: clinical testing. Allele origin: germline.
Comment: The c.3264_3297del34ins29 variant, located in coding exon 12 of the PALB2 gene, results from the deletion of 34 nucleotides and insertion of 29 nucleotides causing a translational frameshift with a predicted alternate stop codon (p.V1089Sfs*32). This alteration occurs at the 3' terminus of thePALB2 gene, is not expected to trigger nonsense-mediated mRNA decay, and impacts the last 8% of the protein. However, premature stop codons are typically deleterious in nature and the impacted region is critical for protein function (Ambry internal data). This variant is considered to be rare based on population cohorts in the Genome Aggregation Database (gnomAD). Based on the majority of available evidence to date, this variant is likely to be pathogenic.

NM_024675.4(PALB2):c.3264_3297delinsAAGCCCTGTGTTTCAGCTCATTGTGATTA (p.Val1089fs)

Gene: PALB2 (partner and localizer of BRCA2; minus strand). Cytogenetic location: 16p12.2.
Variant type: Indel.
Coding change: c.3264_3297delinsAAGCCCTGTGTTTCAGCTCATTGTGATTA on transcript NM_024675.4 (MANE Select); coding-DNA positions 3264 to 3297, the reference bases replaced by AAGCCCTGTGTTTCAGCTCATTGTGATTA.
Protein change: p.Val1089fs; shifts the reading frame from valine 1089.
Molecular consequence: frameshift variant. On other transcripts: intron variant (8).
Genome position (GRCh38, 1-based): chr16:23,607,917-23,607,950, 34 bases replaced. GRCh37 (hg19): chr16:23,619,238-23,619,271.
Other names: c.798_831delinsAAGCCCTGTGTTTCAGCTCATTGTGATTA, p.Val267fs (NM_001407314.1); c.2229-4281_2229-4248delinsAAGCCCTGTGTTTCAGCTCATTGTGATTA (NM_001407308.1, NM_001407309.1); c.1414-4281_1414-4248delinsAAGCCCTGTGTTTCAGCTCATTGTGATTA (NM_001407313.1); c.3040-4281_3040-4248delinsAAGCCCTGTGTTTCAGCTCATTGTGATTA (NM_001407302.1); c.3114-4281_3114-4248delinsAAGCCCTGTGTTTCAGCTCATTGTGATTA (NM_001407299.1); c.3202-4281_3202-4248delinsAAGCCCTGTGTTTCAGCTCATTGTGATTA (NM_001407301.1); c.2317-4281_2317-4248delinsAAGCCCTGTGTTTCAGCTCATTGTGATTA (NM_001407311.1, NM_001407310.1); c.3204_3237delinsAAGCCCTGTGTTTCAGCTCATTGTGATTA, p.Val1069fs (NM_001407296.1); and 6 more; short protein forms V493fs, V267fs, V794fs, V1065fs, V1089fs, V740fs, V996fs, V1035fs.
Identifiers: ClinVar variation 4130310 (VCV004130310.1).